The following is an entry in ClinVar:

ClinVar aggregate classification (germline): Pathogenic (1 of 4 stars; one submission).

Submission:

Labcorp Genetics (formerly Invitae), Labcorp
Classification: Pathogenic. Last evaluated: 2024-02-24. Review status: criteria provided, single submitter. Criteria: Invitae Variant Classification Sherloc (09022015). Collection method: clinical testing. Allele origin: germline.
Comment: This sequence change creates a premature translational stop signal (p.Lys372Valfs*18) in the ADAMTS17 gene. It is expected to result in an absent or disrupted protein product. Loss-of-function variants in ADAMTS17 are known to be pathogenic (PMID: 19836009, 24940034). This variant is not present in population databases (gnomAD no frequency). This variant has not been reported in the literature in individuals affected with ADAMTS17-related conditions. ClinVar contains an entry for this variant (Variation ID: 2079701). For these reasons, this variant has been classified as Pathogenic.

Literature cited by the submitters: PubMed 19836009; PubMed 24940034.

NM_139057.4(ADAMTS17):c.1114_1115del (p.Lys372fs)

Gene: ADAMTS17 (ADAM metallopeptidase with thrombospondin type 1 motif 17; minus strand). Cytogenetic location: 15q26.3.
Variant type: Deletion.
Coding change: c.1114_1115del on transcript NM_139057.4 (MANE Select); coding-DNA positions 1114 to 1115, 2 bases deleted (AA; older notation c.1114_1115delAA).
Protein change: p.Lys372fs; shifts the reading frame from lysine 372.
Molecular consequence: frameshift variant.
Genome position (GRCh38, 1-based): chr15:100,199,384-100,199,385, TT deleted on the plus strand (AA on the coding strand, the reverse complement: ADAMTS17 is on the minus strand). VCF-style (leftmost placement, unchanged base first): chr15-100199383-CTT-C. GRCh37 (hg19) VCF-style: chr15-100739588-CTT-C.
Other names: short protein forms K372fs.
Identifiers: ClinVar variation 2079701 (VCV002079701.4), dbSNP rs2548591542, ClinGen allele CA2580089760.